The following is an entry in ClinVar:

NM_031229.4(RBCK1):c.1520A>G (p.Gln507Arg)

Gene: RBCK1 (RANBP2-type and C3HC4-type zinc finger containing 1; plus strand). Cytogenetic location: 20p13.
Variant type: single nucleotide variant.
Coding change: c.1520A>G on transcript NM_031229.4 (MANE Select); coding-DNA position 1520, A replaced by G.
Protein change: p.Gln507Arg; replaces glutamine 507 with arginine.
Molecular consequence: missense variant. On other transcripts: non-coding transcript variant (1).
Genome position (GRCh38, 1-based): chr20:430,417, A>G. VCF-style: chr20-430417-A-G. GRCh37 (hg19) VCF-style: chr20-411061-A-G.
Other names: c.1010A>G, p.Gln337Arg (NM_001323956.2, NM_001323958.2); c.1394A>G, p.Gln465Arg (NM_006462.6); c.1520A>G (NM_031229.2); short protein forms Q337R, Q507R, Q465R.
Identifiers: ClinVar variation 1415121 (VCV001415121.6), dbSNP rs969675403, ClinGen allele CA310624377.

ClinVar aggregate classification (germline): Uncertain significance. Review status: criteria provided, multiple submitters, no conflicts (2 of 4 stars). 2 submissions from 2 submitters: Uncertain significance (2). Last evaluated 2024-11-18.

Conditions:
Polyglucosan body myopathy type 1 (PGBM1). Also called: Polyglucosan body myopathy 1 with or without immunodeficiency; POLYGLUCOSAN BODY MYOPATHY WITHOUT IMMUNODEFICIENCY. Identifiers: Orphanet 329173, Orphanet 397937, MedGen C4014605, MONDO:0014389, OMIM 615895.
Inborn genetic diseases. Identifiers: MedGen C0950123, MeSH D030342.

Allele frequency attached by ClinVar (database versions not stated): gnomAD exomes below 0.00001; gnomAD 0.00006; TOPMed 0.00007.
gnomAD v4.1: 16 of 1,612,230 alleles (0.00099%); highest among the groups gnomAD compares: African/African-American, 0.013%; no homozygotes.

Submissions (2):

Labcorp Genetics (formerly Invitae), Labcorp
Classification: Uncertain significance for Polyglucosan body myopathy type 1. Last evaluated: 2024-11-18. Review status: criteria provided, single submitter. Criteria: Invitae Variant Classification Sherloc (09022015). Collection method: clinical testing. Allele origin: germline.
Comment: This sequence change replaces glutamine, which is neutral and polar, with arginine, which is basic and polar, at codon 507 of the RBCK1 protein (p.Gln507Arg). This variant is present in population databases (no rsID available, gnomAD 0.01%). This variant has not been reported in the literature in individuals affected with RBCK1-related conditions. ClinVar contains an entry for this variant (Variation ID: 1415121). Invitae Evidence Modeling of protein sequence and biophysical properties (such as structural, functional, and spatial information, amino acid conservation, physicochemical variation, residue mobility, and thermodynamic stability) indicates that this missense variant is not expected to disrupt RBCK1 protein function with a negative predictive value of 80%. In summary, the available evidence is currently insufficient to determine the role of this variant in disease. Therefore, it has been classified as a Variant of Uncertain Significance.

Ambry Genetics
Classification: Uncertain significance for Inborn genetic diseases. Last evaluated: 2024-03-01. Review status: criteria provided, single submitter. Criteria: Ambry Variant Classification Scheme 2023. Collection method: clinical testing. Allele origin: germline.